The following is an entry in ClinVar:

NM_007194.4(CHEK2):c.328A>C (p.Asn110His)

Gene: CHEK2 (checkpoint kinase 2; minus strand). Cytogenetic location: 22q12.1.
Variant type: single nucleotide variant.
Coding change: c.328A>C on transcript NM_007194.4 (MANE Select); coding-DNA position 328, A replaced by C.
Protein change: p.Asn110His; replaces asparagine 110 with histidine.
Molecular consequence: missense variant.
Genome position (GRCh38, 1-based): chr22:28,725,359, T>G on the plus strand (A>C on the coding strand, the complement: CHEK2 is on the minus strand). VCF-style: chr22-28725359-T-G. GRCh37 (hg19) VCF-style: chr22-29121347-T-G.
Other names: c.457A>C, p.Asn153His (NM_001005735.3); c.-450A>C (NM_001257387.3); c.328A>C, p.Asn110His (NM_001349956.3, NM_145862.3); short protein forms N110H, N153H.
Identifiers: ClinVar variation 1895622 (VCV001895622.5), dbSNP rs878854919, ClinGen allele CA411108273.

ClinVar aggregate classification (germline): Uncertain significance (1 of 4 stars; one submission).

Conditions:
Familial cancer of breast. Also called: Hereditary breast cancer; BREAST CANCER, FAMILIAL; hereditary breast carcinoma. Identifiers: Orphanet 227535, MedGen C0346153, MONDO:0016419, OMIM 114480. Disease mechanism: loss of function.

Submission:

Labcorp Genetics (formerly Invitae), Labcorp
Classification: Uncertain significance for Familial cancer of breast. Last evaluated: 2022-03-27. Review status: criteria provided, single submitter. Criteria: Invitae Variant Classification Sherloc (09022015). Collection method: clinical testing. Allele origin: germline.
Comment: In summary, the available evidence is currently insufficient to determine the role of this variant in disease. Therefore, it has been classified as a Variant of Uncertain Significance. Algorithms developed to predict the effect of missense changes on protein structure and function (SIFT, PolyPhen-2, Align-GVGD) all suggest that this variant is likely to be tolerated. This variant has not been reported in the literature in individuals affected with CHEK2-related conditions. This variant is not present in population databases (gnomAD no frequency). This sequence change replaces asparagine, which is neutral and polar, with histidine, which is basic and polar, at codon 110 of the CHEK2 protein (p.Asn110His).